The following is an entry in ClinVar:

ClinVar aggregate classification (germline): Uncertain significance. Review status: criteria provided, multiple submitters, no conflicts (2 of 4 stars). 2 submissions from 2 submitters: Uncertain significance (2). Last evaluated 2025-01-20.

Submissions (2):

Labcorp Genetics (formerly Invitae), Labcorp
Classification: Uncertain significance. Last evaluated: 2025-01-20. Review status: criteria provided, single submitter. Criteria: Invitae Variant Classification Sherloc (09022015). Collection method: clinical testing. Allele origin: germline.
Comment: This sequence change replaces serine, which is neutral and polar, with arginine, which is basic and polar, at codon 93 of the RHO protein (p.Ser93Arg). This variant is not present in population databases (gnomAD no frequency). This missense change has been observed in individual(s) with retinitis pigmentosa (PMID: 37798099). ClinVar contains an entry for this variant (Variation ID: 1935435). Invitae Evidence Modeling of protein sequence and biophysical properties (such as structural, functional, and spatial information, amino acid conservation, physicochemical variation, residue mobility, and thermodynamic stability) indicates that this missense variant is not expected to disrupt RHO protein function with a negative predictive value of 95%. In summary, the available evidence is currently insufficient to determine the role of this variant in disease. Therefore, it has been classified as a Variant of Uncertain Significance.

Blueprint Genetics
Classification: Uncertain significance. Last evaluated: 2021-10-08. Review status: criteria provided, single submitter. Criteria: ACMG Guidelines, 2015. Collection method: clinical testing. Allele origin: germline.

Literature cited by the submitters: PubMed 37798099 (cited by Labcorp Genetics (formerly Invitae), Labcorp).

NM_000539.3(RHO):c.277A>C (p.Ser93Arg)

Gene: RHO (rhodopsin; plus strand). Cytogenetic location: 3q22.1.
Variant type: single nucleotide variant.
Coding change: c.277A>C on transcript NM_000539.3 (MANE Select); coding-DNA position 277, A replaced by C.
Protein change: p.Ser93Arg; replaces serine 93 with arginine.
Molecular consequence: missense variant.
Genome position (GRCh38, 1-based): chr3:129,529,010, A>C. VCF-style: chr3-129529010-A-C. GRCh37 (hg19) VCF-style: chr3-129247853-A-C.
Other names: short protein forms S93R.
Identifiers: ClinVar variation 1935435 (VCV001935435.6), dbSNP rs2533020120, ClinGen allele CA354496677.